The following is an entry in ClinVar:

NM_000094.4(COL7A1):c.1033G>C (p.Val345Leu)

Gene: COL7A1 (collagen type VII alpha 1 chain; minus strand). Cytogenetic location: 3p21.31.
Variant type: single nucleotide variant.
Coding change: c.1033G>C on transcript NM_000094.4 (MANE Select); coding-DNA position 1033, G replaced by C.
Protein change: p.Val345Leu; replaces valine 345 with leucine.
Molecular consequence: missense variant.
Genome position (GRCh38, 1-based): chr3:48,592,411, C>G on the plus strand (G>C on the coding strand, the complement: COL7A1 is on the minus strand). VCF-style: chr3-48592411-C-G. GRCh37 (hg19) VCF-style: chr3-48629844-C-G.
Other names: short protein forms V345L.
Identifiers: ClinVar variation 1953035 (VCV001953035.3), dbSNP rs2531326697, ClinGen allele CA352738827.

ClinVar aggregate classification (germline): Uncertain significance (1 of 4 stars; one submission).

Submission:

Labcorp Genetics (formerly Invitae), Labcorp
Classification: Uncertain significance. Last evaluated: 2025-08-29. Review status: criteria provided, single submitter. Criteria: Invitae Variant Classification Sherloc (09022015). Collection method: clinical testing. Allele origin: germline.
Comment: This sequence change replaces valine, which is neutral and non-polar, with leucine, which is neutral and non-polar, at codon 345 of the COL7A1 protein (p.Val345Leu). This variant is not present in population databases (gnomAD no frequency). This variant has not been reported in the literature in individuals affected with COL7A1-related conditions. ClinVar contains an entry for this variant (Variation ID: 1953035). Invitae Evidence Modeling of protein sequence and biophysical properties (such as structural, functional, and spatial information, amino acid conservation, physicochemical variation, residue mobility, and thermodynamic stability) indicates that this missense variant is not expected to disrupt COL7A1 protein function with a negative predictive value of 95%. In summary, the available evidence is currently insufficient to determine the role of this variant in disease. Therefore, it has been classified as a Variant of Uncertain Significance.